The following is an entry in ClinVar:

NM_000540.3(RYR1):c.10830G>C (p.Glu3610Asp)

Gene: RYR1 (ryanodine receptor 1; plus strand). Cytogenetic location: 19q13.2.
Variant type: single nucleotide variant.
Coding change: c.10830G>C on transcript NM_000540.3 (MANE Select); coding-DNA position 10830, G replaced by C.
Protein change: p.Glu3610Asp; replaces glutamic acid 3610 with aspartic acid.
Molecular consequence: missense variant.
Genome position (GRCh38, 1-based): chr19:38,528,311, G>C. VCF-style: chr19-38528311-G-C. GRCh37 (hg19) VCF-style: chr19-39018951-G-C.
Other names: c.10815G>C, p.Glu3605Asp (NM_001042723.2); short protein forms E3605D, E3610D.
Identifiers: ClinVar variation 3073550 (VCV003073550.1), dbSNP rs1971570907, ClinGen allele CA405649255.

ClinVar aggregate classification (germline): Uncertain significance (1 of 4 stars; one submission).

Conditions:
Malignant hyperthermia, susceptibility to, 1 (MHS1). Also called: Anesthesia related hyperthermia; Malignant hyperpyrexia; Fulminating hyperpyrexia; Pharmacogenic myopathy; RYR1-Related Malignant Hyperthermia Susceptibility; Malignant hyperthermia suceptibility 1. Identifiers: Orphanet 423, MedGen C2930980, MONDO:0007783, OMIM 145600.

Allele frequency attached by ClinVar (database versions not stated): TOPMed below 0.00001; gnomAD 0.00001.
gnomAD v4.1: 1 of 1,613,954 alleles (0.000062%); highest among the groups gnomAD compares: African/African-American, 0.0013%; no homozygotes.

Submission:

All of Us Research Program, National Institutes of Health
Classification: Uncertain significance for Malignant hyperthermia, susceptibility to, 1. Last evaluated: 2023-10-02. Review status: criteria provided, single submitter. Criteria: ACMG Guidelines, 2015. Collection method: clinical testing. Allele origin: germline. Inheritance: Autosomal dominant inheritance. Observed: 1 variant allele, 1 heterozygote.
Comment: This missense variant replaces glutamic acid with aspartic acid at codon 3610 of the RYR1 protein. Computational prediction suggests that this variant may not impact protein structure and function (internally defined REVEL score threshold <= 0.5, PMID: 27666373). To our knowledge, functional studies have not been reported for this variant. This variant has not been reported in individuals affected with RYR1-related disorders in the literature. This variant has not been identified in the general population by the Genome Aggregation Database (gnomAD). The available evidence is insufficient to determine the role of this variant in disease conclusively. Therefore, this variant is classified as a Variant of Uncertain Significance.

This study involves interpretation of variants in research participants for the purpose of population health screening. Participant phenotype was not available at the time of variant classification. Additional details can be found in publication PMID: 35346344, PMCID: PMC8962531